The following is an entry in ClinVar:

NM_001005242.3(PKP2):c.499C>T (p.Gln167Ter)

Gene: PKP2 (plakophilin 2; minus strand). Cytogenetic location: 12p11.21.
Variant type: single nucleotide variant.
Coding change: c.499C>T on transcript NM_001005242.3 (MANE Select); coding-DNA position 499, C replaced by T.
Protein change: p.Gln167Ter; replaces glutamine 167 with a stop codon.
Molecular consequence: nonsense.
Genome position (GRCh38, 1-based): chr12:32,878,381, G>A on the plus strand (C>T on the coding strand, the complement: PKP2 is on the minus strand). VCF-style: chr12-32878381-G-A. GRCh37 (hg19) VCF-style: chr12-33031315-G-A.
Other names: c.499C>T, p.Gln167Ter (NM_004572.4); short protein forms Q167*.
Identifiers: ClinVar variation 577307 (VCV000577307.6), dbSNP rs1565599473, ClinGen allele CA384364906.

ClinVar aggregate classification (germline): Pathogenic (1 of 4 stars; one submission).

Conditions:
Arrhythmogenic right ventricular dysplasia 9 (ARVD9). Also called: Arrhythmogenic Right Ventricular Dysplasia/Cardiomyopathy 9; ARRHYTHMOGENIC RIGHT VENTRICULAR DYSPLASIA, FAMILIAL, 9. Identifiers: MedGen C1836906, MONDO:0012180, OMIM 609040.

Submission:

Labcorp Genetics (formerly Invitae), Labcorp
Classification: Pathogenic for Arrhythmogenic right ventricular dysplasia 9. Last evaluated: 2021-09-01. Review status: criteria provided, single submitter. Criteria: Invitae Variant Classification Sherloc (09022015). Collection method: clinical testing. Allele origin: germline.
Comment: This sequence change creates a premature translational stop signal (p.Gln167*) in the PKP2 gene. It is expected to result in an absent or disrupted protein product. Loss-of-function variants in PKP2 are known to be pathogenic (PMID: 15489853, 23911551). This variant is not present in population databases (ExAC no frequency). This premature translational stop signal has been observed in individual(s) with arrhythmogenic right ventricular cardiomyopathy (PMID: 25765472). ClinVar contains an entry for this variant (Variation ID: 577307). For these reasons, this variant has been classified as Pathogenic.

Literature cited by the submitters: PubMed 15489853; PubMed 23911551; PubMed 25765472.